The following is an entry in ClinVar:

ClinVar aggregate classification (germline): Uncertain significance (1 of 4 stars; one submission).

Allele frequency attached by ClinVar (database versions not stated): ExAC 0.00002; TOPMed 0.00003; gnomAD 0.00007; ESP Exome Variant Server 0.00008.
gnomAD v4.1: 33 of 1,614,024 alleles (0.002%); highest among the groups gnomAD compares: East Asian, 0.016%; no homozygotes.

Submission:

Labcorp Genetics (formerly Invitae), Labcorp
Classification: Uncertain significance. Last evaluated: 2025-10-31. Review status: criteria provided, single submitter. Criteria: Invitae Variant Classification Sherloc (09022015). Collection method: clinical testing. Allele origin: germline.
Comment: This sequence change replaces arginine, which is basic and polar, with histidine, which is basic and polar, at codon 165 of the OR2W3 protein (p.Arg165His). This variant is present in population databases (rs370525975, gnomAD 0.02%). This variant has not been reported in the literature in individuals affected with OR2W3-related conditions. ClinVar contains an entry for this variant (Variation ID: 1978790). An algorithm developed to predict the effect of missense changes on protein structure and function outputs the following: PolyPhen-2: "Benign". The histidine amino acid residue is found in multiple mammalian species, which suggests that this missense change does not adversely affect protein function. In summary, the available evidence is currently insufficient to determine the role of this variant in disease. Therefore, it has been classified as a Variant of Uncertain Significance.

NM_001001957.2(OR2W3):c.494G>A (p.Arg165His)

Gene: OR2W3 (olfactory receptor family 2 subfamily W member 3; plus strand). Cytogenetic location: 1q44.
Variant type: single nucleotide variant.
Coding change: c.494G>A on transcript NM_001001957.2 (MANE Select); coding-DNA position 494, G replaced by A.
Protein change: p.Arg165His; replaces arginine 165 with histidine.
Molecular consequence: missense variant.
Genome position (GRCh38, 1-based): chr1:247,896,080, G>A. VCF-style: chr1-247896080-G-A. GRCh37 (hg19) VCF-style: chr1-248059382-G-A.
Other names: short protein forms R165H.
Identifiers: ClinVar variation 1978790 (VCV001978790.4), dbSNP rs370525975, ClinGen allele CA1498611.